The following is an entry in ClinVar:

NM_001042492.3(NF1):c.40G>T (p.Val14Phe)

Genes: MIR4733HG (MIR4733 host gene; minus strand), NF1 (neurofibromin 1; plus strand), LOC111811965 (NF1 (neurofibromin 1) promoter region; plus strand). Cytogenetic location: 17q11.2.
Variant type: single nucleotide variant.
Coding change: c.40G>T on transcript NM_001042492.3 (MANE Select); coding-DNA position 40, G replaced by T.
Protein change: p.Val14Phe; replaces valine 14 with phenylalanine.
Molecular consequence: missense variant. On other transcripts: non-coding transcript variant (1).
Genome position (GRCh38, 1-based): chr17:31,095,349, G>T. VCF-style: chr17-31095349-G-T. GRCh37 (hg19) VCF-style: chr17-29422367-G-T.
Other names: c.40G>T, p.Val14Phe (NM_000267.4, NM_001128147.3); short protein forms V14F.
Identifiers: ClinVar variation 1512400 (VCV001512400.11), dbSNP rs2143145306, ClinGen allele CA398979327.

ClinVar aggregate classification (germline): Uncertain significance. Review status: criteria provided, multiple submitters, no conflicts (2 of 4 stars). 3 submissions from 3 submitters: Uncertain significance (3). Last evaluated 2026-01-19.

Conditions:
Hereditary cancer-predisposing syndrome. Also called: Neoplastic Syndromes, Hereditary; Hereditary Cancer Syndrome; Tumor predisposition; Hereditary neoplastic syndrome. Identifiers: Orphanet 140162, MedGen C0027672, MeSH D009386, MONDO:0015356.
Cardiovascular phenotype. Identifiers: MedGen CN230736.
Neurofibromatosis, type 1 (NF1). Also called: Neurofibromatosis, type I; Peripheral type neurofibromatosis; VON RECKLINGHAUSEN DISEASE; NEUROFIBROMATOSIS, TYPE I, SOMATIC. Identifiers: Orphanet 636, MedGen C0027831, MONDO:0018975, OMIM 162200. Disease mechanism: loss of function.

Allele frequency attached by ClinVar (database versions not stated): gnomAD exomes below 0.00001.
gnomAD v4.1: 1 of 1,540,028 alleles (0.000065%); highest among the groups gnomAD compares: Non-Finnish European, 0.000087%; no homozygotes.

Submissions (3):

Labcorp Genetics (formerly Invitae), Labcorp
Classification: Uncertain significance for Neurofibromatosis, type 1. Last evaluated: 2026-01-19. Review status: criteria provided, single submitter. Criteria: Invitae Variant Classification Sherloc (09022015). Collection method: clinical testing. Allele origin: germline.
Comment: This sequence change replaces valine, which is neutral and non-polar, with phenylalanine, which is neutral and non-polar, at codon 14 of the NF1 protein (p.Val14Phe). This variant is not present in population databases (gnomAD no frequency). This variant has not been reported in the literature in individuals affected with NF1-related conditions. ClinVar contains an entry for this variant (Variation ID: 1512400). Invitae Evidence Modeling of protein sequence and biophysical properties (such as structural, functional, and spatial information, amino acid conservation, physicochemical variation, residue mobility, and thermodynamic stability) has been performed for this missense variant. However, the output from this modeling did not meet the statistical confidence thresholds required to predict the impact of this variant on NF1 protein function. In summary, the available evidence is currently insufficient to determine the role of this variant in disease. Therefore, it has been classified as a Variant of Uncertain Significance.

Ambry Genetics
Classification: Uncertain significance for Cardiovascular phenotype; Hereditary cancer-predisposing syndrome. Last evaluated: 2025-11-18. Review status: criteria provided, single submitter. Criteria: Ambry Variant Classification Scheme 2023. Collection method: clinical testing. Allele origin: germline.
Comment: The p.V14F variant (also known as c.40G>T), located in coding exon 1 of the NF1 gene, results from a G to T substitution at nucleotide position 40. The valine at codon 14 is replaced by phenylalanine, an amino acid with highly similar properties. This amino acid position is conserved. In addition, the in silico prediction for this alteration is inconclusive. Based on the available evidence, the clinical significance of this variant remains unclear.

St. Jude Molecular Pathology, St. Jude Children's Research Hospital
Classification: Uncertain significance for Neurofibromatosis, type 1. Last evaluated: 2023-06-20. Review status: criteria provided, single submitter. Criteria: St. Jude Assertion Criteria 2020. Collection method: clinical testing. Allele origin: germline.
Comment: The NF1 c.40G>T (p.Val14Phe) missense change is absent in gnomAD v2.1.1. The in silico tool REVEL predicts a benign effect on protein function, but to our knowledge this prediction has not been confirmed by functional studies. To our knowledge, this variant has not been reported in individuals with Neurofibromatosis type 1. In summary, the evidence currently available is insufficient to determine the clinical significance of this variant. It has therefore been classified as of uncertain significance.